The following is an entry in ClinVar:

ClinVar aggregate classification (germline): Uncertain significance. Review status: criteria provided, multiple submitters, no conflicts (2 of 4 stars). 2 submissions from 2 submitters: Uncertain significance (2). Last evaluated 2025-01-13.

Conditions:
Inborn genetic diseases. Identifiers: MedGen C0950123, MeSH D030342.

Allele frequency attached by ClinVar (database versions not stated): TOPMed 0.00001; gnomAD 0.00005; gnomAD exomes 0.00005; ExAC 0.00012.
gnomAD v4.1: 79 of 1,614,108 alleles (0.0049%); highest among the groups gnomAD compares: South Asian, 0.083%; 1 homozygote.

Submissions (2):

Labcorp Genetics (formerly Invitae), Labcorp
Classification: Uncertain significance. Last evaluated: 2025-01-13. Review status: criteria provided, single submitter. Criteria: Invitae Variant Classification Sherloc (09022015). Collection method: clinical testing. Allele origin: germline.
Comment: This sequence change replaces lysine, which is basic and polar, with arginine, which is basic and polar, at codon 66 of the ASNS protein (p.Lys66Arg). The frequency data for this variant in the population databases is considered unreliable, as metrics indicate poor data quality at this position in the gnomAD database. This variant has not been reported in the literature in individuals affected with ASNS-related conditions. ClinVar contains an entry for this variant (Variation ID: 2147884). Invitae Evidence Modeling of protein sequence and biophysical properties (such as structural, functional, and spatial information, amino acid conservation, physicochemical variation, residue mobility, and thermodynamic stability) indicates that this missense variant is not expected to disrupt ASNS protein function with a negative predictive value of 80%. In summary, the available evidence is currently insufficient to determine the role of this variant in disease. Therefore, it has been classified as a Variant of Uncertain Significance.

Ambry Genetics
Classification: Uncertain significance for Inborn genetic diseases. Last evaluated: 2023-02-15. Review status: criteria provided, single submitter. Criteria: Ambry Variant Classification Scheme 2023. Collection method: clinical testing. Allele origin: germline.

NM_001673.5(ASNS):c.197A>G (p.Lys66Arg)

Genes: ASNS (asparagine synthetase (glutamine-hydrolyzing); minus strand), CZ1P-ASNS (CZ1P-ASNS readthrough; minus strand). Cytogenetic location: 7q21.3.
Variant type: single nucleotide variant.
Coding change: c.197A>G on transcript NM_001673.5 (MANE Select); coding-DNA position 197, A replaced by G.
Protein change: p.Lys66Arg; replaces lysine 66 with arginine.
Molecular consequence: missense variant. On other transcripts: non-coding transcript variant (1), intron variant (2).
Genome position (GRCh38, 1-based): chr7:97,868,960, T>C on the plus strand (A>G on the coding strand, the complement: ASNS is on the minus strand). VCF-style: chr7-97868960-T-C. GRCh37 (hg19) VCF-style: chr7-97498272-T-C.
Other names: c.134A>G, p.Lys45Arg (NM_001178075.2); c.197A>G, p.Lys66Arg (NM_001352496.2, NM_133436.3, NM_183356.4); c.-1+3391A>G (NM_001178076.2); c.-1+3081A>G (NM_001178077.1); short protein forms K45R, K66R.
Identifiers: ClinVar variation 2147884 (VCV002147884.4), dbSNP rs754013993, ClinGen allele CA4354831.